The following is an entry in ClinVar:

ClinVar aggregate classification (germline): Uncertain significance. Review status: criteria provided, multiple submitters, no conflicts (2 of 4 stars). 2 submissions from 2 submitters: Uncertain significance (2). Last evaluated 2025-05-17.

Conditions:
Pyridoxine-dependent epilepsy (EPEO4). Also called: Pyridoxine-Dependent Epilepsy - ALDH7A1; EPILEPSY, EARLY-ONSET, 4, VITAMIN B6-DEPENDENT; PYRIDOXINE DEPENDENCY WITH SEIZURES; Pyridoxine-Dependent Seizures. Identifiers: Orphanet 3006, MedGen C1849508, MONDO:0009945, OMIM 266100. Disease mechanism: loss of function.
Inborn genetic diseases. Identifiers: MedGen C0950123, MeSH D030342.

Allele frequency attached by ClinVar (database versions not stated): TOPMed 0.00001; gnomAD exomes below 0.00001.
gnomAD v4.1: 1 of 1,614,018 alleles (0.000062%); highest among the groups gnomAD compares: Non-Finnish European, 0.000085%; no homozygotes.

Submissions (2):

Ambry Genetics
Classification: Uncertain significance for Inborn genetic diseases. Last evaluated: 2025-05-17. Review status: criteria provided, single submitter. Criteria: Ambry Variant Classification Scheme 2023. Collection method: clinical testing. Allele origin: germline.

Labcorp Genetics (formerly Invitae), Labcorp
Classification: Uncertain significance for Pyridoxine-dependent epilepsy. Last evaluated: 2019-12-13. Review status: criteria provided, single submitter. Criteria: Invitae Variant Classification Sherloc (09022015). Collection method: clinical testing. Allele origin: germline.
Comment: This sequence change replaces asparagine with lysine at codon 366 of the ALDH7A1 protein (p.Asn366Lys). The asparagine residue is moderately conserved and there is a moderate physicochemical difference between asparagine and lysine. This variant is not present in population databases (ExAC no frequency). This variant has not been reported in the literature in individuals with ALDH7A1-related conditions. Algorithms developed to predict the effect of missense changes on protein structure and function (SIFT, PolyPhen-2, Align-GVGD) all suggest that this variant is likely to be tolerated, but these predictions have not been confirmed by published functional studies and their clinical significance is uncertain. Algorithms developed to predict the effect of sequence changes on RNA splicing suggest that this variant may create or strengthen a splice site, but this prediction has not been confirmed by published transcriptional studies. In summary, the available evidence is currently insufficient to determine the role of this variant in disease. Therefore, it has been classified as a Variant of Uncertain Significance.

NM_001182.5(ALDH7A1):c.1098T>G (p.Asn366Lys)

Gene: ALDH7A1 (aldehyde dehydrogenase 7 family member A1; minus strand). Cytogenetic location: 5q23.2.
Variant type: single nucleotide variant.
Coding change: c.1098T>G on transcript NM_001182.5 (MANE Select); coding-DNA position 1098, T replaced by G.
Protein change: p.Asn366Lys; replaces asparagine 366 with lysine.
Molecular consequence: missense variant. On other transcripts: intron variant (1).
Genome position (GRCh38, 1-based): chr5:126,554,389, A>C on the plus strand (T>G on the coding strand, the complement: ALDH7A1 is on the minus strand). VCF-style: chr5-126554389-A-C. GRCh37 (hg19) VCF-style: chr5-125890081-A-C.
Other names: c.1014T>G, p.Asn338Lys (NM_001201377.2); c.1009-2252T>G (NM_001202404.2); short protein forms N366K, N338K.
Identifiers: ClinVar variation 846818 (VCV000846818.2), dbSNP rs1018483380, ClinGen allele CA126887617.